The following is an entry in ClinVar:

ClinVar aggregate classification (germline): Benign (0 of 4 stars; one submission).

Conditions:
DNAH10-related disorder. Also called: DNAH10-related condition.

Allele frequency attached by ClinVar (database versions not stated): 1000 Genomes Project 0.00779; 1000 Genomes Project 30x 0.00781; gnomAD 0.01894; ESP Exome Variant Server 0.01942; ExAC 0.02095.
gnomAD v4.1: 43,152 of 1,613,802 alleles (2.7%); highest among the groups gnomAD compares: Non-Finnish European, 3.2%; 723 homozygotes.

Submission:

PreventionGenetics, part of Exact Sciences
Classification: Benign for DNAH10-related condition. Last evaluated: 2019-03-13. Review status: no assertion criteria provided. Collection method: clinical testing. Allele origin: germline.
Comment: This variant is classified as benign based on ACMG/AMP sequence variant interpretation guidelines (Richards et al. 2015 PMID: 25741868, with internal and published modifications).

NM_001372106.1(DNAH10):c.10482G>A (p.Arg3494=)

Gene: DNAH10 (dynein axonemal heavy chain 10; plus strand). Cytogenetic location: 12q24.31.
Variant type: single nucleotide variant.
Coding change: c.10482G>A on transcript NM_001372106.1 (MANE Select); coding-DNA position 10482, G replaced by A.
Protein change: p.Arg3494=; no amino-acid change (arginine 3494 retained).
Molecular consequence: synonymous variant.
Genome position (GRCh38, 1-based): chr12:123,914,458, G>A. VCF-style: chr12-123914458-G-A. GRCh37 (hg19) VCF-style: chr12-124399005-G-A.
Other names: c.10128G>A, p.Arg3376= (NM_001083900.1, NM_207437.3).
Identifiers: ClinVar variation 3056135 (VCV003056135.2), dbSNP rs11057392, ClinGen allele CA6865393.